The following is an entry in ClinVar:

ClinVar aggregate classification (germline): Uncertain significance. Review status: criteria provided, multiple submitters, no conflicts (2 of 4 stars). 2 submissions from 2 submitters: Uncertain significance (2). Last evaluated 2025-04-24.

Conditions:
Cardiovascular phenotype. Identifiers: MedGen CN230736.
Glycogen storage disease, type II (IOPD). Also called: Pompe Disease; CARDIOMEGALIA GLYCOGENICA DIFFUSA; GLYCOGENOSIS, GENERALIZED, CARDIAC FORM; GSD II; POMPE DISEASE, INFANTILE-ONSET; GLYCOGEN STORAGE DISEASE II, INFANTILE-ONSET. Identifiers: Orphanet 365, MedGen C0017921, MONDO:0009290, OMIM 232300.

Submissions (2):

Labcorp Genetics (formerly Invitae), Labcorp
Classification: Uncertain significance for Glycogen storage disease, type II. Last evaluated: 2025-04-24. Review status: criteria provided, single submitter. Criteria: Invitae Variant Classification Sherloc (09022015). Collection method: clinical testing. Allele origin: germline.
Comment: This sequence change replaces arginine, which is basic and polar, with proline, which is neutral and non-polar, at codon 870 of the GAA protein (p.Arg870Pro). This variant is not present in population databases (gnomAD no frequency). This variant has not been reported in the literature in individuals affected with GAA-related conditions. ClinVar contains an entry for this variant (Variation ID: 2625358). Invitae Evidence Modeling of protein sequence and biophysical properties (such as structural, functional, and spatial information, amino acid conservation, physicochemical variation, residue mobility, and thermodynamic stability) indicates that this missense variant is not expected to disrupt GAA protein function with a negative predictive value of 95%. In summary, the available evidence is currently insufficient to determine the role of this variant in disease. Therefore, it has been classified as a Variant of Uncertain Significance.

Ambry Genetics
Classification: Uncertain significance for Cardiovascular phenotype. Last evaluated: 2023-06-28. Review status: criteria provided, single submitter. Criteria: Ambry Variant Classification Scheme 2023. Collection method: clinical testing. Allele origin: germline.
Comment: The p.R870P variant (also known as c.2609G>C), located in coding exon 17 of the GAA gene, results from a G to C substitution at nucleotide position 2609. The arginine at codon 870 is replaced by proline, an amino acid with dissimilar properties. This amino acid position is conserved. In addition, the in silico prediction for this alteration is inconclusive. Since supporting evidence is limited at this time, the clinical significance of this alteration remains unclear.

NM_000152.5(GAA):c.2609G>C (p.Arg870Pro)

Gene: GAA (alpha glucosidase; plus strand). Cytogenetic location: 17q25.3.
Variant type: single nucleotide variant.
Coding change: c.2609G>C on transcript NM_000152.5 (MANE Select); coding-DNA position 2609, G replaced by C.
Protein change: p.Arg870Pro; replaces arginine 870 with proline.
Molecular consequence: missense variant.
Genome position (GRCh38, 1-based): chr17:80,118,320, G>C. VCF-style: chr17-80118320-G-C. GRCh37 (hg19) VCF-style: chr17-78092119-G-C.
Other names: c.2609G>C, p.Arg870Pro (NM_001079803.3, NM_001079804.3, NM_001406741.1 and 1 more transcripts); short protein forms R870P.
Identifiers: ClinVar variation 2625358 (VCV002625358.3), dbSNP rs747076541, ClinGen allele CA401326359.